The following is an entry in ClinVar:

NM_005475.3(SH2B3):c.943G>A (p.Ala315Thr)

Gene: SH2B3 (SH2B adaptor protein 3; plus strand). Cytogenetic location: 12q24.12.
Variant type: single nucleotide variant.
Coding change: c.943G>A on transcript NM_005475.3 (MANE Select); coding-DNA position 943, G replaced by A.
Protein change: p.Ala315Thr; replaces alanine 315 with threonine.
Molecular consequence: missense variant.
Genome position (GRCh38, 1-based): chr12:111,447,141, G>A. VCF-style: chr12-111447141-G-A. GRCh37 (hg19) VCF-style: chr12-111884945-G-A.
Other names: c.337G>A, p.Ala113Thr (NM_001291424.1); short protein forms A315T, A113T.
Identifiers: ClinVar variation 3953437 (VCV003953437.1).

ClinVar aggregate classification (germline): Uncertain significance (1 of 4 stars; one submission).

Conditions:
Inborn genetic diseases. Identifiers: MedGen C0950123, MeSH D030342.

gnomAD v4.1: 1 of 1,613,856 alleles (0.000062%); highest among the groups gnomAD compares: Non-Finnish European, 0.000085%; no homozygotes.

Submission:

Ambry Genetics
Classification: Uncertain significance for Inborn genetic diseases. Last evaluated: 2025-04-10. Review status: criteria provided, single submitter. Criteria: Ambry Variant Classification Scheme 2023. Collection method: clinical testing. Allele origin: germline.
Comment: The p.A315T variant (also known as c.943G>A), located in coding exon 4 of the SH2B3 gene, results from a G to A substitution at nucleotide position 943. The alanine at codon 315 is replaced by threonine, an amino acid with similar properties. This amino acid position is conserved. In addition, this alteration is predicted to be tolerated by in silico analysis. Based on the available evidence, the clinical significance of this variant remains unclear.